The following is an entry in ClinVar:

ClinVar aggregate classification (germline): Benign/Likely benign. Review status: criteria provided, multiple submitters, no conflicts (2 of 4 stars). 4 submissions from 4 submitters: Benign (1); Likely benign (3). Last evaluated 2025-01-13.

Conditions:
Hereditary cancer-predisposing syndrome. Also called: Hereditary neoplastic syndrome; Tumor predisposition; Hereditary Cancer Syndrome; Neoplastic Syndromes, Hereditary. Identifiers: Orphanet 140162, MedGen C0027672, MeSH D009386, MONDO:0015356.
Familial cancer of breast. Also called: Hereditary breast cancer; hereditary breast carcinoma; BREAST CANCER, FAMILIAL. Identifiers: Orphanet 227535, MedGen C0346153, MONDO:0016419, OMIM 114480. Disease mechanism: loss of function.

Submissions (4):

Myriad Genetics, Inc.
Classification: Benign for Familial cancer of breast. Last evaluated: 2025-01-13. Review status: criteria provided, single submitter. Criteria: Myriad Autosomal Dominant, Autosomal Recessive and X-Linked Classification Criteria (2023). Collection method: clinical testing. Allele origin: unknown.
Comment: This variant is considered benign. This variant is a silent/synonymous amino acid change and it is not expected to impact splicing.

Labcorp Genetics (formerly Invitae), Labcorp
Classification: Likely benign for Familial cancer of breast. Last evaluated: 2021-08-11. Review status: criteria provided, single submitter. Criteria: Invitae Variant Classification Sherloc (09022015). Collection method: clinical testing. Allele origin: germline.

Ambry Genetics
Classification: Likely benign for Hereditary cancer-predisposing syndrome. Last evaluated: 2020-11-03. Review status: criteria provided, single submitter. Criteria: Ambry Variant Classification Scheme 2023. Collection method: clinical testing. Allele origin: germline.

Color Diagnostics, LLC DBA Color Health
Classification: Likely benign for Hereditary cancer-predisposing syndrome. Last evaluated: 2017-09-14. Review status: criteria provided, single submitter. Criteria: ACMG Guidelines, 2015. Collection method: clinical testing. Allele origin: germline.

NM_024675.4(PALB2):c.987A>G (p.Leu329=)

Gene: PALB2 (partner and localizer of BRCA2; minus strand). Cytogenetic location: 16p12.2.
Variant type: single nucleotide variant.
Coding change: c.987A>G on transcript NM_024675.4 (MANE Select); coding-DNA position 987, A replaced by G.
Protein change: p.Leu329=; no amino-acid change (leucine 329 retained).
Molecular consequence: synonymous variant.
Genome position (GRCh38, 1-based): chr16:23,635,559, T>C on the plus strand (A>G on the coding strand, the complement: PALB2 is on the minus strand). VCF-style: chr16-23635559-T-C. GRCh37 (hg19) VCF-style: chr16-23646880-T-C.
Identifiers: ClinVar variation 492229 (VCV000492229.15), dbSNP rs1258396517, ClinGen allele CA494461706.